The following is an entry in ClinVar:

NM_004260.4(RECQL4):c.2329G>C (p.Gly777Arg)

Gene: RECQL4 (RecQ like helicase 4; minus strand). Cytogenetic location: 8q24.3.
Variant type: single nucleotide variant.
Coding change: c.2329G>C on transcript NM_004260.4 (MANE Select); coding-DNA position 2329, G replaced by C.
Protein change: p.Gly777Arg; replaces glycine 777 with arginine.
Molecular consequence: missense variant. On other transcripts: non-coding transcript variant (3), intron variant (3).
Genome position (GRCh38, 1-based): chr8:144,513,352, C>G on the plus strand (G>C on the coding strand, the complement: RECQL4 is on the minus strand). VCF-style: chr8-144513352-C-G. GRCh37 (hg19) VCF-style: chr8-145738735-C-G.
Other names: c.1258G>C, p.Gly420Arg (NM_001413022.1, NM_001413023.1, NM_001413024.1 and 5 more transcripts); c.2200G>C, p.Gly734Arg (NM_001413025.1); c.1192G>C, p.Gly398Arg (NM_001413027.1, NM_001413030.1, NM_001413032.1 and 1 more transcripts); c.1978G>C, p.Gly660Arg (NM_001413029.1); c.1060G>C, p.Gly354Arg (NM_001413031.1); c.862G>C, p.Gly288Arg (NM_001413043.1); c.2169+64G>C (NM_001413017.1); c.2265+64G>C (NM_001413018.1); and 7 more; short protein forms G398R, G660R, G733R, G288R, G354R, G376R, G745R, G767R.
Identifiers: ClinVar variation 2868473 (VCV002868473.3), dbSNP rs377173936, ClinGen allele CA372678334.

ClinVar aggregate classification (germline): Uncertain significance (1 of 4 stars; one submission).

Conditions:
Baller-Gerold syndrome (BGS). Also called: CRANIOSYNOSTOSIS WITH RADIAL DEFECTS. Identifiers: Orphanet 1225, MedGen C0265308, MONDO:0009039, OMIM 218600.

Submission:

Labcorp Genetics (formerly Invitae), Labcorp
Classification: Uncertain significance for Baller-Gerold syndrome. Last evaluated: 2024-05-22. Review status: criteria provided, single submitter. Criteria: Invitae Variant Classification Sherloc (09022015). Collection method: clinical testing. Allele origin: germline.
Comment: This sequence change replaces glycine, which is neutral and non-polar, with arginine, which is basic and polar, at codon 777 of the RECQL4 protein (p.Gly777Arg). This variant is not present in population databases (gnomAD no frequency). This variant has not been reported in the literature in individuals affected with RECQL4-related conditions. Advanced modeling of protein sequence and biophysical properties (such as structural, functional, and spatial information, amino acid conservation, physicochemical variation, residue mobility, and thermodynamic stability) performed at Invitae indicates that this missense variant is expected to disrupt RECQL4 protein function with a positive predictive value of 80%. In summary, the available evidence is currently insufficient to determine the role of this variant in disease. Therefore, it has been classified as a Variant of Uncertain Significance.